The following is an entry in ClinVar:

NM_000784.4(CYP27A1):c.608C>A (p.Ser203Ter)

Gene: CYP27A1 (cytochrome P450 family 27 subfamily A member 1; plus strand). Cytogenetic location: 2q35.
Variant type: single nucleotide variant.
Coding change: c.608C>A on transcript NM_000784.4 (MANE Select); coding-DNA position 608, C replaced by A.
Protein change: p.Ser203Ter; replaces serine 203 with a stop codon.
Molecular consequence: nonsense.
Genome position (GRCh38, 1-based): chr2:218,812,383, C>A. VCF-style: chr2-218812383-C-A. GRCh37 (hg19) VCF-style: chr2-219677106-C-A.
Other names: short protein forms S203*.
Identifiers: ClinVar variation 984201 (VCV000984201.3), dbSNP rs186812403, ClinGen allele CA350585467.

ClinVar aggregate classification (germline): Likely pathogenic (1 of 4 stars; one submission).

Conditions:
Cholestanol storage disease (CTX). Also called: CEREBRAL CHOLESTERINOSIS; Cerebrotendinous Xanthomatosis; CTX: Cerebrotendinous xanthomatosis. Identifiers: Orphanet 909, MedGen C0238052, MONDO:0008948, OMIM 213700.

Submission:

Myriad Genetics, Inc.
Classification: Likely pathogenic for Cholestanol storage disease. Last evaluated: 2019-12-25. Review status: criteria provided, single submitter. Criteria: Myriad Women's Health Autosomal Recessive and X-Linked Classification Criteria (2019). Collection method: clinical testing. Allele origin: unknown.
Comment: NM_000784.3(CYP27A1):c.608C>A(S203*) is expected to be pathogenic in the context of cerebrotendinous xanthomatosis. This variant is predicted to lead to an abnormal or absent protein product due to the creation of a premature termination codon in CYP27A1, a gene where loss-of-function variants are known to be pathogenic. Please note: this variant was assessed in the context of healthy population screening.